The following is an entry in ClinVar:

ClinVar aggregate classification (germline): Uncertain significance. Review status: criteria provided, multiple submitters, no conflicts (2 of 4 stars). 2 submissions from 2 submitters: Uncertain significance (2). Last evaluated 2024-11-11.

Conditions:
Inborn genetic diseases. Identifiers: MedGen C0950123, MeSH D030342.
T-cell immunodeficiency, congenital alopecia, and nail dystrophy. Also called: Congenital alopecia and nail dystrophy associated with severe functional T-cell immunodeficiency; Pignata Guarino syndrome. Identifiers: Orphanet 169095, MedGen C1866426, MONDO:0011132, OMIM 601705.

Allele frequency attached by ClinVar (database versions not stated): gnomAD 0.00001; gnomAD exomes 0.00001.

Submissions (2):

Ambry Genetics
Classification: Uncertain significance for Inborn genetic diseases. Last evaluated: 2024-11-11. Review status: criteria provided, single submitter. Criteria: Ambry Variant Classification Scheme 2023. Collection method: clinical testing. Allele origin: germline.

Labcorp Genetics (formerly Invitae), Labcorp
Classification: Uncertain significance for T-cell immunodeficiency, congenital alopecia, and nail dystrophy. Last evaluated: 2023-11-18. Review status: criteria provided, single submitter. Criteria: Invitae Variant Classification Sherloc (09022015). Collection method: clinical testing. Allele origin: germline.
Comment: This sequence change replaces proline, which is neutral and non-polar, with serine, which is neutral and polar, at codon 86 of the FOXN1 protein (p.Pro86Ser). This variant is present in population databases (no rsID available, gnomAD 0.007%). This variant has not been reported in the literature in individuals affected with FOXN1-related conditions. Advanced modeling of protein sequence and biophysical properties (such as structural, functional, and spatial information, amino acid conservation, physicochemical variation, residue mobility, and thermodynamic stability) performed at Invitae indicates that this missense variant is not expected to disrupt FOXN1 protein function with a negative predictive value of 80%. In summary, the available evidence is currently insufficient to determine the role of this variant in disease. Therefore, it has been classified as a Variant of Uncertain Significance.

NM_001369369.1(FOXN1):c.256C>T (p.Pro86Ser)

Gene: FOXN1 (forkhead box N1; plus strand). Cytogenetic location: 17q11.2.
Variant type: single nucleotide variant.
Coding change: c.256C>T on transcript NM_001369369.1 (MANE Select); coding-DNA position 256, C replaced by T.
Protein change: p.Pro86Ser; replaces proline 86 with serine.
Molecular consequence: missense variant.
Genome position (GRCh38, 1-based): chr17:28,524,635, C>T. VCF-style: chr17-28524635-C-T. GRCh37 (hg19) VCF-style: chr17-26851653-C-T.
Other names: c.256C>T, p.Pro86Ser (NM_003593.3); short protein forms P86S.
Identifiers: ClinVar variation 2871316 (VCV002871316.4), dbSNP rs1161677188, ClinGen allele CA398320949.